The following is an entry in ClinVar:

ClinVar aggregate classification (germline): Likely pathogenic. Review status: reviewed by expert panel (3 of 4 stars). 7 submissions from 7 submitters: Likely pathogenic (1). 6 of the submissions do not count toward it. Last evaluated 2019-08-06.

Conditions:
Phenylketonuria (PKU). Also called: Phenylketonuria (PKU); FOLLING DISEASE; OLIGOPHRENIA PHENYLPYRUVICA; Phenylketonurias. Identifiers: Orphanet 716, MedGen C0031485, MONDO:0009861, OMIM 261600. Disease mechanism: loss of function.

Allele frequency attached by ClinVar (database versions not stated): gnomAD exomes below 0.00001; ExAC 0.00001.
gnomAD v4.1: 15 of 1,608,670 alleles (0.00093%); highest among the groups gnomAD compares: Non-Finnish European, 0.0012%; no homozygotes.

Submissions (7):

ClinGen PAH Variant Curation Expert Panel
Classification: Likely pathogenic for Phenylketonuria. Last evaluated: 2019-08-06. Review status: reviewed by expert panel. Criteria: ClinGen PAH ACMG Specifications v1. Collection method: curation. Allele origin: germline. Inheritance: Autosomal recessive inheritance.
Comment: The c.441+6T>A variant in PAH has been reported in at least 2 patients with PKU (BH4 deficiency ruled out), who carried pathogenic variants (ClinVar IDs: 589 & 576) (PMID: 22526846). This variant is absent from 1000G and ESP, and has an extremely low frequency in gnomAD (MAF= 0.000004). This intronic variant changes a moderately conserved nucleotide, and computational analyses (Alamut) predict that this variant may weaken (~60%) the splice donor site of intron 4. Based on the available information, this variant is considered to be likely pathogenic. PAH-specific ACMG/AMP criteria applied: PP3, PP4_M, PM2, PM3_S.

Women's Health and Genetics/Laboratory Corporation of America, LabCorp
Classification: Pathogenic for Phenylketonuria. Last evaluated: 2025-04-03. Review status: criteria provided, single submitter. Criteria: LabCorp Variant Classification Summary - May 2015. Collection method: clinical testing. Allele origin: germline. Not counted in ClinVar's aggregate classification.
Comment: Variant summary: PAH c.441+6T>A alters a conserved nucleotide located close to a canonical splice site and therefore could affect mRNA splicing, leading to a significantly altered protein sequence. Several computational tools predict a significant impact on normal splicing: One predict the variant abolishes a 5 splicing donor site. Three predict the variant weakens a 5' donor site. However, these predictions have yet to be confirmed by functional studies. The variant allele was found at a frequency of 4e-06 in 251486 control chromosomes. c.441+6T>A has been reported in the literature in multiple individuals affected with Phenylalanine Hydroxylase Deficiency (Phenylketonuria) (examples: Sterl_2013, Reblova_2013, Hillert_2020). These data indicate that the variant is very likely to be associated with disease. To our knowledge, no experimental evidence demonstrating an impact on protein function has been reported. The following publications have been ascertained in the context of this evaluation (PMID: 22526846, 23357515, 32668217). ClinVar contains an entry for this variant (Variation ID: 120275). Based on the evidence outlined above, the variant was classified as pathogenic.

Labcorp Genetics (formerly Invitae), Labcorp
Classification: Pathogenic for Phenylketonuria. Last evaluated: 2024-09-10. Review status: criteria provided, single submitter. Criteria: Invitae Variant Classification Sherloc (09022015). Collection method: clinical testing. Allele origin: germline. Not counted in ClinVar's aggregate classification.
Comment: This sequence change falls in intron 4 of the PAH gene. It does not directly change the encoded amino acid sequence of the PAH protein. It affects a nucleotide within the consensus splice site. This variant is present in population databases (rs199475698, gnomAD 0.0009%). This variant has been observed in individual(s) with phenylketonuria (PMID: 22526846, 23357515). ClinVar contains an entry for this variant (Variation ID: 120275). Variants that disrupt the consensus splice site are a relatively common cause of aberrant splicing (PMID: 17576681, 9536098). Algorithms developed to predict the effect of sequence changes on RNA splicing suggest that this variant may disrupt the consensus splice site. For these reasons, this variant has been classified as Pathogenic.

Quest Diagnostics Nichols Institute San Juan Capistrano
Classification: Likely pathogenic. Last evaluated: 2023-05-31. Review status: criteria provided, single submitter. Criteria: Quest Diagnostics criteria. Collection method: clinical testing. Allele origin: unknown. Not counted in ClinVar's aggregate classification.
Comment: The PAH c.441+6T>A variant has been reported in the published literature in this variant has been detected in individuals with classic Phenylketonuria (PKU). Those individuals were compound heterozygous for the variant and a pathogenic or likely pathogenic variant (PMID: 32668217 (2020), 22526846 (2013)). The frequency of this variant in the general population, 0.000004 (1/251486 chromosomes (Genome Aggregation Database)), is consistent with pathogenicity. Analysis of this variant using software algorithms for the prediction of the effect of nucleotide changes on splicing yielded predictions that this variant may affect proper PAH mRNA splicing. Based on the available information, this variant is classified as likely pathogenic.

Revvity Omics, Revvity
Classification: Likely pathogenic for Phenylketonuria. Last evaluated: 2022-03-23. Review status: criteria provided, single submitter. Criteria: ACMG Guidelines, 2015. Collection method: clinical testing. Allele origin: germline. Not counted in ClinVar's aggregate classification.

GeneDx
Classification: Uncertain significance. Last evaluated: 2021-03-23. Review status: criteria provided, single submitter. Criteria: GeneDx Variant Classification Process June 2021. Collection method: clinical testing. Allele origin: germline. Affected: yes. Not counted in ClinVar's aggregate classification.
Comment: Not observed at a significant frequency in large population cohorts (Lek et al., 2016); In silico analysis supports a deleterious effect on splicing; This variant is associated with the following publications: (PMID: 32668217, 23357515, 22526846)

Inserm U 954, Faculté de Médecine de Nancy
Classification: Likely pathogenic for Phenylketonuria. Review status: no assertion criteria provided. Collection method: not provided. Allele origin: unknown. Not counted in ClinVar's aggregate classification.
ClinVar note: Converted during submission from probable-pathogenic to Likely pathogenic.

Literature cited by the submitters: PubMed 22526846 (cited by 4 submitters); PubMed 23357515 (cited by 3 submitters); PubMed 32668217 (cited by Women's Health and Genetics/Laboratory Corporation of America, LabCorp and Quest Diagnostics Nichols Institute San Juan Capistrano); PubMed 17576681 (cited by Labcorp Genetics (formerly Invitae), Labcorp); PubMed 9536098 (cited by Labcorp Genetics (formerly Invitae), Labcorp).

NM_000277.3(PAH):c.441+6T>A

Gene: PAH (phenylalanine hydroxylase; minus strand). Cytogenetic location: 12q23.2.
Variant type: single nucleotide variant.
Coding change: c.441+6T>A on transcript NM_000277.3 (MANE Select); 6 bases into the intron after coding-DNA position 441, T replaced by A.
Molecular consequence: intron variant.
Genome position (GRCh38, 1-based): chr12:102,877,456, A>T on the plus strand (T>A on the coding strand, the complement: PAH is on the minus strand). VCF-style: chr12-102877456-A-T. GRCh37 (hg19) VCF-style: chr12-103271234-A-T.
Other names: c.441+6T>A (NM_001354304.2).
Identifiers: ClinVar variation 120275 (VCV000120275.24), dbSNP rs199475698, ClinGen allele CA267654.